The following is an entry in ClinVar:

ClinVar aggregate classification (germline): Likely benign (0 of 4 stars; one submission).

Conditions:
MYH7B-related disorder. Also called: MYH7B-related condition.

Submission:

PreventionGenetics, part of Exact Sciences
Classification: Likely benign for MYH7B-related condition. Last evaluated: 2019-05-22. Review status: no assertion criteria provided. Collection method: clinical testing. Allele origin: germline.
Comment: This variant is classified as likely benign based on ACMG/AMP sequence variant interpretation guidelines (Richards et al. 2015 PMID: 25741868, with internal and published modifications).

NM_020884.7(MYH7B):c.1761A>G (p.Ala587=)

Gene: MYH7B (myosin heavy chain 7B; plus strand). Cytogenetic location: 20q11.22.
Variant type: single nucleotide variant.
Coding change: c.1761A>G on transcript NM_020884.7 (MANE Select); coding-DNA position 1761, A replaced by G.
Protein change: p.Ala587=; no amino-acid change (alanine 587 retained).
Molecular consequence: synonymous variant.
Genome position (GRCh38, 1-based): chr20:34,989,913, A>G. VCF-style: chr20-34989913-A-G. GRCh37 (hg19) VCF-style: chr20-33577716-A-G.
Identifiers: ClinVar variation 3039456 (VCV003039456.2), dbSNP rs2519165167, ClinGen allele CA510477283.
Genomic context (GRCh38, chr20:34,989,913, plus strand): 5'-GCAGCCTCGGCCTGACAAGAAGCGCAAGTACCAGGCCCACTTCGAGGTGGTCCACTACGC[A>G]GGCGTGGTAGGTGCTTGCTGGAACCCCAGCCCTCGGCCAGGCTCCTCCCGCCCTGCTCCA-3'
Protein context (NP_065935.4, residues 577-597): YQAHFEVVHY[Ala587=]GVVPYSIVGW